The following is an entry in ClinVar:

NM_004168.4(SDHA):c.320T>A (p.Ile107Asn)

Gene: SDHA (succinate dehydrogenase complex flavoprotein subunit A; plus strand). Cytogenetic location: 5p15.33.
Variant type: single nucleotide variant.
Coding change: c.320T>A on transcript NM_004168.4 (MANE Select); coding-DNA position 320, T replaced by A.
Protein change: p.Ile107Asn; replaces isoleucine 107 with asparagine.
Molecular consequence: missense variant. On other transcripts: intron variant (1).
Genome position (GRCh38, 1-based): chr5:225,426, T>A. VCF-style: chr5-225426-T-A. GRCh37 (hg19) VCF-style: chr5-225541-T-A.
Other names: c.320T>A, p.Ile107Asn (NM_001330758.2); c.313-457T>A (NM_001294332.2); short protein forms I107N.
Identifiers: ClinVar variation 840793 (VCV000840793.8), dbSNP rs1734953616, ClinGen allele CA359009195.

ClinVar aggregate classification (germline): Uncertain significance (1 of 4 stars; one submission).

Conditions:
Pheochromocytoma/paraganglioma syndrome 5. Also called: Paragangliomas 5; SDHA-Related Hereditary Paraganglioma-Pheochromocytoma Syndrome. Identifiers: Orphanet 29072, MedGen C3279992, MONDO:0013602, OMIM 614165.
Mitochondrial complex II deficiency, nuclear type 1. Also called: SUCCINATE CoQ REDUCTASE DEFICIENCY. Identifiers: Orphanet 3208, MedGen C5700310, MONDO:0100294, OMIM 252011.

Submission:

Labcorp Genetics (formerly Invitae), Labcorp
Classification: Uncertain significance for Pheochromocytoma/paraganglioma syndrome 5; Mitochondrial complex II deficiency, nuclear type 1. Last evaluated: 2025-07-17. Review status: criteria provided, single submitter. Criteria: Invitae Variant Classification Sherloc (09022015). Collection method: clinical testing. Allele origin: germline.
Comment: This sequence change replaces isoleucine, which is neutral and non-polar, with asparagine, which is neutral and polar, at codon 107 of the SDHA protein (p.Ile107Asn). This variant is not present in population databases (gnomAD no frequency). This variant has not been reported in the literature in individuals affected with SDHA-related conditions. ClinVar contains an entry for this variant (Variation ID: 840793). Invitae Evidence Modeling of protein sequence and biophysical properties (such as structural, functional, and spatial information, amino acid conservation, physicochemical variation, residue mobility, and thermodynamic stability) has been performed for this missense variant. However, the output from this modeling did not meet the statistical confidence thresholds required to predict the impact of this variant on SDHA protein function. In summary, the available evidence is currently insufficient to determine the role of this variant in disease. Therefore, it has been classified as a Variant of Uncertain Significance.